The following is an entry in ClinVar:

NM_004370.6(COL12A1):c.8623G>A (p.Gly2875Arg)

Gene: COL12A1 (collagen type XII alpha 1 chain; minus strand). Cytogenetic location: 6q13.
Variant type: single nucleotide variant.
Coding change: c.8623G>A on transcript NM_004370.6 (MANE Select); coding-DNA position 8623, G replaced by A.
Protein change: p.Gly2875Arg; replaces glycine 2875 with arginine.
Molecular consequence: missense variant.
Genome position (GRCh38, 1-based): chr6:75,095,134, C>T on the plus strand (G>A on the coding strand, the complement: COL12A1 is on the minus strand). VCF-style: chr6-75095134-C-T. GRCh37 (hg19) VCF-style: chr6-75804850-C-T.
Other names: c.8623G>A, p.Gly2875Arg (NM_001424113.1); c.8602G>A, p.Gly2868Arg (NM_001424114.1); c.8350G>A, p.Gly2784Arg (NM_001424115.1); c.5131G>A, p.Gly1711Arg (NM_001424116.1, NM_080645.3); short protein forms G1711R, G2784R, G2868R, G2875R.
Identifiers: ClinVar variation 3373079 (VCV003373079.1).

ClinVar aggregate classification (germline): Uncertain significance (1 of 4 stars; one submission).

Submission:

GeneDx
Classification: Uncertain significance. Last evaluated: 2024-04-24. Review status: criteria provided, single submitter. Criteria: GeneDx Variant Classification Process June 2021. Collection method: clinical testing. Allele origin: germline. Affected: yes.
Comment: Has not been previously published as pathogenic or benign to our knowledge; Not observed at significant frequency in large population cohorts (gnomAD); In silico analysis supports that this missense variant has a deleterious effect on protein structure/function